The following is an entry in ClinVar:

ClinVar aggregate classification (germline): Benign/Likely benign. Review status: criteria provided, multiple submitters, no conflicts (2 of 4 stars). 2 submissions from 2 submitters: Benign (1); Likely benign (1). Last evaluated 2025-08-21.

Allele frequency attached by ClinVar (database versions not stated): gnomAD 0.00012; TOPMed 0.00026.
gnomAD v4.1: 164 of 1,606,568 alleles (0.01%); highest among the groups gnomAD compares: Admixed American, 0.28%; no homozygotes.

Submissions (2):

Labcorp Genetics (formerly Invitae), Labcorp
Classification: Benign. Last evaluated: 2025-08-21. Review status: criteria provided, single submitter. Criteria: Invitae Variant Classification Sherloc (09022015). Collection method: clinical testing. Allele origin: germline.

GeneDx
Classification: Likely benign. Last evaluated: 2016-10-14. Review status: criteria provided, single submitter. Criteria: GeneDx Variant Classification (06012015). Collection method: clinical testing. Allele origin: germline. Affected: yes.
Comment: This variant is considered likely benign or benign based on one or more of the following criteria: it is a conservative change, it occurs at a poorly conserved position in the protein, it is predicted to be benign by multiple in silico algorithms, and/or has population frequency not consistent with disease.

NM_003366.4(UQCRC2):c.1279-16G>C

Genes: PDZD9 (PDZ domain containing 9), UQCRC2 (ubiquinol-cytochrome c reductase core protein 2). Cytogenetic location: 16p12.2.
Variant type: single nucleotide variant.
Coding change: c.1279-16G>C on transcript NM_003366.4 (MANE Select); 16 bases into the intron before coding-DNA position 1279, G replaced by C.
Molecular consequence: intron variant.
Genome position (GRCh38, 1-based): chr16:21,983,072, G>C. VCF-style: chr16-21983072-G-C. GRCh37 (hg19) VCF-style: chr16-21994393-G-C.
Identifiers: ClinVar variation 389796 (VCV000389796.9), dbSNP rs541178433, ClinGen allele CA7954013.